The following is an entry in ClinVar:

NM_018060.4(IARS2):c.2909G>A (p.Arg970His)

Gene: IARS2 (isoleucyl-tRNA synthetase 2, mitochondrial; plus strand). Cytogenetic location: 1q41.
Variant type: single nucleotide variant.
Coding change: c.2909G>A on transcript NM_018060.4 (MANE Select); coding-DNA position 2909, G replaced by A.
Protein change: p.Arg970His; replaces arginine 970 with histidine.
Molecular consequence: missense variant.
Genome position (GRCh38, 1-based): chr1:220,147,505, G>A. VCF-style: chr1-220147505-G-A. GRCh37 (hg19) VCF-style: chr1-220320847-G-A.
Other names: short protein forms R970H.
Identifiers: ClinVar variation 1382951 (VCV001382951.6), dbSNP rs1265051146, ClinGen allele CA344619840.

ClinVar aggregate classification (germline): Uncertain significance (1 of 4 stars; one submission).

Allele frequency attached by ClinVar (database versions not stated): gnomAD exomes below 0.00001 and 0.00001; TOPMed 0.00003; gnomAD 0.00004.
gnomAD v4.1: 14 of 1,613,880 alleles (0.00087%); highest among the groups gnomAD compares: African/African-American, 0.0093%; no homozygotes.

Submission:

Labcorp Genetics (formerly Invitae), Labcorp
Classification: Uncertain significance. Last evaluated: 2022-08-09. Review status: criteria provided, single submitter. Criteria: Invitae Variant Classification Sherloc (09022015). Collection method: clinical testing. Allele origin: germline.
Comment: In summary, the available evidence is currently insufficient to determine the role of this variant in disease. Therefore, it has been classified as a Variant of Uncertain Significance. Algorithms developed to predict the effect of missense changes on protein structure and function output the following: SIFT: "Tolerated"; PolyPhen-2: "Benign"; Align-GVGD: "Class C0". The histidine amino acid residue is found in multiple mammalian species, which suggests that this missense change does not adversely affect protein function. ClinVar contains an entry for this variant (Variation ID: 1382951). This variant has not been reported in the literature in individuals affected with IARS2-related conditions. This variant is present in population databases (no rsID available, gnomAD 0.008%). This sequence change replaces arginine, which is basic and polar, with histidine, which is basic and polar, at codon 970 of the IARS2 protein (p.Arg970His).